The following is an entry in ClinVar:

NM_021957.4(GYS2):c.1359C>T (p.Thr453=)

Genes: GYS2 (glycogen synthase 2; minus strand), LOC126861480 (CDK7 strongly-dependent group 2 enhancer GRCh37_chr12:21710858-21712057; plus strand). Cytogenetic location: 12p12.1.
Variant type: single nucleotide variant.
Coding change: c.1359C>T on transcript NM_021957.4 (MANE Select); coding-DNA position 1359, C replaced by T.
Protein change: p.Thr453=; no amino-acid change (threonine 453 retained).
Molecular consequence: synonymous variant.
Genome position (GRCh38, 1-based): chr12:21,558,263, G>A on the plus strand (C>T on the coding strand, the complement: GYS2 is on the minus strand). VCF-style: chr12-21558263-G-A. GRCh37 (hg19) VCF-style: chr12-21711197-G-A.
Identifiers: ClinVar variation 390552 (VCV000390552.1), dbSNP rs1057523815, ClinGen allele CA16607189.
Genomic context (GRCh38, chr12:21,558,263, plus strand): 5'-GACTCTATCTGTGCGGTTGTTGAAAAGTCCAATCCGTCTAATGGTGCTGAGGATGGGGTC[G>A]GTGGAGTCATCAATCATGTTGTGCGTGGTCACTGGGGGCAATGACTGTCGCTGAAGTATG-3'
Protein context (NP_068776.2, residues 443-463): VTTHNMIDDS[Thr453=]DPILSTIRRI

ClinVar aggregate classification (germline): Likely benign (1 of 4 stars; one submission).

Allele frequency attached by ClinVar (database versions not stated): TOPMed below 0.00001; gnomAD exomes below 0.00001.
gnomAD v4.1: 5 of 1,613,906 alleles (0.00031%); highest among the groups gnomAD compares: Admixed American, 0.0067%; no homozygotes.

Submission:

GeneDx
Classification: Likely benign. Last evaluated: 2016-11-15. Review status: criteria provided, single submitter. Criteria: GeneDx Variant Classification (06012015). Collection method: clinical testing. Allele origin: germline. Affected: yes.
Comment: This variant is considered likely benign or benign based on one or more of the following criteria: it is a conservative change, it occurs at a poorly conserved position in the protein, it is predicted to be benign by multiple in silico algorithms, and/or has population frequency not consistent with disease.